The following is an entry in ClinVar:

NM_012193.4(FZD4):c.847G>A (p.Asp283Asn)

Genes: FZD4 (frizzled class receptor 4; minus strand), PRSS23 (serine protease 23; plus strand). Cytogenetic location: 11q14.2.
Variant type: single nucleotide variant.
Coding change: c.847G>A on transcript NM_012193.4 (MANE Select); coding-DNA position 847, G replaced by A.
Protein change: p.Asp283Asn; replaces aspartic acid 283 with asparagine.
Molecular consequence: missense variant. On other transcripts: non-coding transcript variant (2).
Genome position (GRCh38, 1-based): chr11:86,951,909, C>T on the plus strand (G>A on the coding strand, the complement: FZD4 is on the minus strand). VCF-style: chr11-86951909-C-T. GRCh37 (hg19) VCF-style: chr11-86662951-C-T.
Other names: short protein forms D283N.
Identifiers: ClinVar variation 2086982 (VCV002086982.4), dbSNP rs2495867368, ClinGen allele CA382014052.

ClinVar aggregate classification (germline): Uncertain significance (1 of 4 stars; one submission).

Submission:

Labcorp Genetics (formerly Invitae), Labcorp
Classification: Uncertain significance. Last evaluated: 2023-07-17. Review status: criteria provided, single submitter. Criteria: Invitae Variant Classification Sherloc (09022015). Collection method: clinical testing. Allele origin: germline.
Comment: Advanced modeling of protein sequence and biophysical properties (such as structural, functional, and spatial information, amino acid conservation, physicochemical variation, residue mobility, and thermodynamic stability) has been performed at Invitae for this missense variant, however the output from this modeling did not meet the statistical confidence thresholds required to predict the impact of this variant on FZD4 protein function. In summary, the available evidence is currently insufficient to determine the role of this variant in disease. Therefore, it has been classified as a Variant of Uncertain Significance. ClinVar contains an entry for this variant (Variation ID: 2086982). This variant has not been reported in the literature in individuals affected with FZD4-related conditions. This variant is not present in population databases (gnomAD no frequency). This sequence change replaces aspartic acid, which is acidic and polar, with asparagine, which is neutral and polar, at codon 283 of the FZD4 protein (p.Asp283Asn).